The following is an entry in ClinVar:

NM_000218.3(KCNQ1):c.1888C>T (p.Pro630Ser)

Genes: KCNQ1 (potassium voltage-gated channel subfamily Q member 1; plus strand), KCNQ1-AS1 (KCNQ1 antisense RNA 1; minus strand). Cytogenetic location: 11p15.4.
Variant type: single nucleotide variant.
Coding change: c.1888C>T on transcript NM_000218.3 (MANE Select); coding-DNA position 1888, C replaced by T.
Protein change: p.Pro630Ser; replaces proline 630 with serine.
Molecular consequence: missense variant.
Genome position (GRCh38, 1-based): chr11:2,847,860, C>T. VCF-style: chr11-2847860-C-T. GRCh37 (hg19) VCF-style: chr11-2869090-C-T.
Other names: c.1792C>T, p.Pro598Ser (NM_001406836.1); c.1618C>T, p.Pro540Ser (NM_001406837.1); c.1348C>T, p.Pro450Ser (NM_001406838.1); c.400C>T, p.Pro134Ser (NM_001406839.1); c.1507C>T, p.Pro503Ser (NM_181798.2); short protein forms P630S, P503S, P540S, P598S, P134S, P450S.
Identifiers: ClinVar variation 666845 (VCV000666845.13), dbSNP rs199472822, ClinGen allele CA216345218.

ClinVar aggregate classification (germline): Uncertain significance. Review status: criteria provided, multiple submitters, no conflicts (2 of 4 stars). 5 submissions from 5 submitters: Uncertain significance (5). Last evaluated 2025-06-12.

Conditions:
Long QT syndrome (LQTS). Identifiers: MedGen C0023976, MeSH D008133, MONDO:0002442. Disease mechanism: loss of function. Inheritance: Various modes of inheritance.
Cardiovascular phenotype. Identifiers: MedGen CN230736.
Cardiac arrhythmia. Also called: Arrhythmia; Cardiac rhythm disease. Identifiers: MedGen C0003811, MONDO:0007263, HP:0011675.

Allele frequency attached by ClinVar (database versions not stated): TOPMed 0.00001; gnomAD 0.00006.
gnomAD v4.1: 16 of 1,576,418 alleles (0.001%); highest among the groups gnomAD compares: Non-Finnish European, 0.0013%; no homozygotes.

Submissions (5):

Color Diagnostics, LLC DBA Color Health
Classification: Uncertain significance for Cardiac arrhythmia. Last evaluated: 2025-06-12. Review status: criteria provided, single submitter. Criteria: ACMG Guidelines, 2015. Collection method: clinical testing. Allele origin: germline.
Comment: This missense variant replaces proline with serine at codon 630 of the KCNQ1 protein. Computational prediction tool is inconclusive regarding the impact of this variant on protein structure and function. To our knowledge, functional studies have not been reported for this variant. This variant has not been reported in individuals affected with KCNQ1-related disorders in the literature. This variant has been identified in 2/31342 chromosomes in the general population by the Genome Aggregation Database (gnomAD). The available evidence is insufficient to determine the role of this variant in disease conclusively. Therefore, this variant is classified as a Variant of Uncertain Significance.

Ambry Genetics
Classification: Uncertain significance for Cardiovascular phenotype. Last evaluated: 2025-03-13. Review status: criteria provided, single submitter. Criteria: Ambry Variant Classification Scheme 2023. Collection method: clinical testing. Allele origin: germline.
Comment: The p.P630S variant (also known as c.1888C>T), located in coding exon 16 of the KCNQ1 gene, results from a C to T substitution at nucleotide position 1888. The proline at codon 630 is replaced by serine, an amino acid with similar properties. This amino acid position is well conserved in available vertebrate species. In addition, the in silico prediction for this alteration is inconclusive. Based on the available evidence, the clinical significance of this variant remains unclear.

Blueprint Genetics
Classification: Uncertain significance. Last evaluated: 2023-10-09. Review status: criteria provided, single submitter. Criteria: ACMG Guidelines, 2015. Collection method: clinical testing. Allele origin: germline.

Labcorp Genetics (formerly Invitae), Labcorp
Classification: Uncertain significance for Long QT syndrome. Last evaluated: 2021-08-30. Review status: criteria provided, single submitter. Criteria: Invitae Variant Classification Sherloc (09022015). Collection method: clinical testing. Allele origin: germline.
Comment: This sequence change replaces proline with serine at codon 630 of the KCNQ1 protein (p.Pro630Ser). The proline residue is weakly conserved and there is a moderate physicochemical difference between proline and serine. This variant is not present in population databases (ExAC no frequency). This variant has not been reported in the literature in individuals affected with KCNQ1-related conditions. ClinVar contains an entry for this variant (Variation ID: 666845). Algorithms developed to predict the effect of missense changes on protein structure and function (SIFT, PolyPhen-2, Align-GVGD) all suggest that this variant is likely to be tolerated. In summary, the available evidence is currently insufficient to determine the role of this variant in disease. Therefore, it has been classified as a Variant of Uncertain Significance.

Laboratory for Molecular Medicine, Mass General Brigham Personalized Medicine
Classification: Uncertain significance. Last evaluated: 2018-08-24. Review status: criteria provided, single submitter. Criteria: LMM Criteria. Collection method: clinical testing. Allele origin: germline. Observed: 1 variant allele.
Comment: The p.Pro630Ser variant in KCNQ1 has not been previously reported in individuals with hearing loss or Jervell and Lange-Nielsen syndrome but has been identified in 0.006% (1/14956) of European chromosomes by the Genome Aggregation Database (gnomAD). Computational prediction tools and c onservation analysis suggest that the p.Pro630Ser variant may not impact the pro tein, though this information is not predictive enough to rule out pathogenicity . In summary, the clinical significance of the p.Pro630Ser variant is uncertain. ACMG/AMP Criteria applied: PM2, BP4.